The following is an entry in ClinVar:

ClinVar aggregate classification (germline): Uncertain significance. Review status: criteria provided, multiple submitters, no conflicts (2 of 4 stars). 2 submissions from 2 submitters: Uncertain significance (2). Last evaluated 2024-10-24.

Conditions:
Hereditary cancer-predisposing syndrome. Also called: Neoplastic Syndromes, Hereditary; Hereditary neoplastic syndrome; Hereditary Cancer Syndrome; Tumor predisposition. Identifiers: Orphanet 140162, MedGen C0027672, MeSH D009386, MONDO:0015356.
Familial cancer of breast. Also called: Hereditary breast cancer; BREAST CANCER, FAMILIAL; hereditary breast carcinoma. Identifiers: Orphanet 227535, MedGen C0346153, MONDO:0016419, OMIM 114480. Disease mechanism: loss of function.

Submissions (2):

Ambry Genetics
Classification: Uncertain significance for Hereditary cancer-predisposing syndrome. Last evaluated: 2024-10-24. Review status: criteria provided, single submitter. Criteria: Ambry Variant Classification Scheme 2023. Collection method: clinical testing. Allele origin: germline.
Comment: The p.T243S variant (also known as c.728C>G), located in coding exon 4 of the PALB2 gene, results from a C to G substitution at nucleotide position 728. The threonine at codon 243 is replaced by serine, an amino acid with similar properties. This amino acid position is conserved. In addition, this alteration is predicted to be tolerated by in silico analysis. Based on the available evidence, the clinical significance of this variant remains unclear.

Laboratorio de Genetica e Diagnostico Molecular, Hospital Israelita Albert Einstein
Classification: Uncertain significance for Familial cancer of breast. Last evaluated: 2022-04-26. Review status: criteria provided, single submitter. Criteria: ACMG Guidelines, 2015. Collection method: clinical testing. Allele origin: germline. Affected: yes. Observed: 1 variant allele.
Comment: ACMG classification criteria: PM2 moderated, BP4 supporting

NM_024675.4(PALB2):c.728C>G (p.Thr243Ser)

Gene: PALB2 (partner and localizer of BRCA2; minus strand). Cytogenetic location: 16p12.2.
Variant type: single nucleotide variant.
Coding change: c.728C>G on transcript NM_024675.4 (MANE Select); coding-DNA position 728, C replaced by G.
Protein change: p.Thr243Ser; replaces threonine 243 with serine.
Molecular consequence: missense variant.
Genome position (GRCh38, 1-based): chr16:23,635,818, G>C on the plus strand (C>G on the coding strand, the complement: PALB2 is on the minus strand). VCF-style: chr16-23635818-G-C. GRCh37 (hg19) VCF-style: chr16-23647139-G-C.
Other names: c.668C>G, p.Thr223Ser (NM_001407296.1); c.728C>G, p.Thr243Ser (NM_001407297.1, NM_001407298.1, NM_001407299.1 and 3 more transcripts); c.-158C>G (NM_001407304.1, NM_001407305.1, NM_001407306.1 and 5 more transcripts); short protein forms T223S, T243S.
Identifiers: ClinVar variation 2431386 (VCV002431386.2), dbSNP rs1967025917, ClinGen allele CA395136270.